The following is an entry in ClinVar:

ClinVar aggregate classification (germline): Uncertain significance (1 of 4 stars; one submission).

gnomAD v4.1: 3 of 1,612,814 alleles (0.00019%); highest among the groups gnomAD compares: African/African-American, 0.0027%; no homozygotes.

Submission:

Labcorp Genetics (formerly Invitae), Labcorp
Classification: Uncertain significance. Last evaluated: 2025-05-11. Review status: criteria provided, single submitter. Criteria: Invitae Variant Classification Sherloc (09022015). Collection method: clinical testing. Allele origin: germline.
Comment: This sequence change replaces proline, which is neutral and non-polar, with histidine, which is basic and polar, at codon 1477 of the RAI1 protein (p.Pro1477His). The frequency data for this variant in the population databases is considered unreliable, as metrics indicate poor data quality at this position in the gnomAD database. This variant has not been reported in the literature in individuals affected with RAI1-related conditions. Invitae Evidence Modeling of protein sequence and biophysical properties (such as structural, functional, and spatial information, amino acid conservation, physicochemical variation, residue mobility, and thermodynamic stability) indicates that this missense variant is not expected to disrupt RAI1 protein function with a negative predictive value of 80%. In summary, the available evidence is currently insufficient to determine the role of this variant in disease. Therefore, it has been classified as a Variant of Uncertain Significance.

NM_030665.4(RAI1):c.4430C>A (p.Pro1477His)

Gene: RAI1 (retinoic acid induced 1; plus strand). Cytogenetic location: 17p11.2.
Variant type: single nucleotide variant.
Coding change: c.4430C>A on transcript NM_030665.4 (MANE Select); coding-DNA position 4430, C replaced by A.
Protein change: p.Pro1477His; replaces proline 1477 with histidine.
Molecular consequence: missense variant.
Genome position (GRCh38, 1-based): chr17:17,797,378, C>A. VCF-style: chr17-17797378-C-A. GRCh37 (hg19) VCF-style: chr17-17700692-C-A.
Other names: short protein forms P1477H.
Identifiers: ClinVar variation 4737366 (VCV004737366.1).
Genomic context (GRCh38, chr17:17,797,378, plus strand): 5'-GACTCTCCAAAGGCCCGCTGGAGAAGCGGCCCTATCTTGGCCCGGCTCTGCTCCTGACTC[C>A]CCGAGACAGGGCCAGTGGCACACAAGGGGCCAGTGAGGACAACTCTGGTGGAGGAGGCAA-3'
Protein context (NP_109590.3, residues 1467-1487): PYLGPALLLT[Pro1477His]RDRASGTQGA